The following is an entry in ClinVar:

NM_020779.4(WDR35):c.2191A>G (p.Met731Val)

Gene: WDR35 (WD repeat domain 35; minus strand). Cytogenetic location: 2p24.1.
Variant type: single nucleotide variant.
Coding change: c.2191A>G on transcript NM_020779.4 (MANE Select); coding-DNA position 2191, A replaced by G.
Protein change: p.Met731Val; replaces methionine 731 with valine.
Molecular consequence: missense variant.
Genome position (GRCh38, 1-based): chr2:19,937,819, T>C on the plus strand (A>G on the coding strand, the complement: WDR35 is on the minus strand). VCF-style: chr2-19937819-T-C. GRCh37 (hg19) VCF-style: chr2-20137580-T-C.
Other names: c.2224A>G (NM_001006657.1); c.2224A>G, p.Met742Val (NM_001006657.2); short protein forms M731V, M742V.
Identifiers: ClinVar variation 2190079 (VCV002190079.6), dbSNP rs138638551, ClinGen allele CA1543022.

ClinVar aggregate classification (germline): Uncertain significance. Review status: criteria provided, multiple submitters, no conflicts (2 of 4 stars). 3 submissions from 3 submitters: Uncertain significance (3). Last evaluated 2025-08-14.

Conditions:
Short-rib thoracic dysplasia 7 with or without polydactyly (SRTD7). Also called: Short rib polydactyly syndrome 5; SHORT-RIB THORACIC DYSPLASIA 7 WITH POLYDACTYLY. Identifiers: Orphanet 498497, Orphanet 93271, MedGen C3279792, MONDO:0013569, OMIM 614091.
Cranioectodermal dysplasia 2 (CED2). Identifiers: Orphanet 1515, MedGen C3150874, MONDO:0013323, OMIM 613610.
Inborn genetic diseases. Identifiers: MedGen C0950123, MeSH D030342.

Allele frequency attached by ClinVar (database versions not stated): gnomAD 0.00001; TOPMed 0.00001; gnomAD exomes 0.00004; ExAC 0.00006; ESP Exome Variant Server 0.00008.
gnomAD v4.1: 69 of 1,614,044 alleles (0.0043%); highest among the groups gnomAD compares: South Asian, 0.021%; 1 homozygote.

Submissions (3):

Ambry Genetics
Classification: Uncertain significance for Inborn genetic diseases. Last evaluated: 2025-08-14. Review status: criteria provided, single submitter. Criteria: Ambry Variant Classification Scheme 2023. Collection method: clinical testing. Allele origin: germline.

Labcorp Genetics (formerly Invitae), Labcorp
Classification: Uncertain significance for Cranioectodermal dysplasia 2; Short-rib thoracic dysplasia 7 with or without polydactyly. Last evaluated: 2024-03-23. Review status: criteria provided, single submitter. Criteria: Invitae Variant Classification Sherloc (09022015). Collection method: clinical testing. Allele origin: germline.
Comment: This sequence change replaces methionine, which is neutral and non-polar, with valine, which is neutral and non-polar, at codon 742 of the WDR35 protein (p.Met742Val). The frequency data for this variant in the population databases is considered unreliable, as metrics indicate poor data quality at this position in the gnomAD database. This variant has not been reported in the literature in individuals affected with WDR35-related conditions. ClinVar contains an entry for this variant (Variation ID: 2190079). Advanced modeling of protein sequence and biophysical properties (such as structural, functional, and spatial information, amino acid conservation, physicochemical variation, residue mobility, and thermodynamic stability) performed at Invitae indicates that this missense variant is not expected to disrupt WDR35 protein function with a negative predictive value of 80%. In summary, the available evidence is currently insufficient to determine the role of this variant in disease. Therefore, it has been classified as a Variant of Uncertain Significance.

Blueprint Genetics
Classification: Uncertain significance. Last evaluated: 2021-09-01. Review status: criteria provided, single submitter. Criteria: ACMG Guidelines, 2015. Collection method: clinical testing. Allele origin: germline.